The following is an entry in ClinVar:

ClinVar aggregate classification (germline): Uncertain significance (1 of 4 stars; one submission).

Submission:

Labcorp Genetics (formerly Invitae), Labcorp
Classification: Uncertain significance. Last evaluated: 2022-02-17. Review status: criteria provided, single submitter. Criteria: Invitae Variant Classification Sherloc (09022015). Collection method: clinical testing. Allele origin: germline.
Comment: In summary, the available evidence is currently insufficient to determine the role of this variant in disease. Therefore, it has been classified as a Variant of Uncertain Significance. Algorithms developed to predict the effect of sequence changes on RNA splicing suggest that this variant is not likely to affect RNA splicing. Algorithms developed to predict the effect of missense changes on protein structure and function are either unavailable or do not agree on the potential impact of this missense change (SIFT: "Deleterious"; PolyPhen-2: "Benign"; Align-GVGD: "Class C0"). This variant has not been reported in the literature in individuals affected with BCL11B-related conditions. The frequency data for this variant in the population databases is considered unreliable, as metrics indicate insufficient coverage at this position in the gnomAD database. This sequence change replaces aspartic acid, which is acidic and polar, with valine, which is neutral and non-polar, at codon 644 of the BCL11B protein (p.Asp644Val).

NM_138576.4(BCL11B):c.1931A>T (p.Asp644Val)

Gene: BCL11B (BCL11 transcription factor B; minus strand). Cytogenetic location: 14q32.2.
Variant type: single nucleotide variant.
Coding change: c.1931A>T on transcript NM_138576.4 (MANE Select); coding-DNA position 1931, A replaced by T.
Protein change: p.Asp644Val; replaces aspartic acid 644 with valine.
Molecular consequence: missense variant.
Genome position (GRCh38, 1-based): chr14:99,174,905, T>A on the plus strand (A>T on the coding strand, the complement: BCL11B is on the minus strand). VCF-style: chr14-99174905-T-A. GRCh37 (hg19) VCF-style: chr14-99641242-T-A.
Other names: c.1928A>T, p.Asp643Val (NM_001282237.2); c.1715A>T, p.Asp572Val (NM_001282238.2); c.1718A>T, p.Asp573Val (NM_022898.3); short protein forms D644V, D572V, D573V, D643V.
Identifiers: ClinVar variation 2050708 (VCV002050708.4), dbSNP rs1886431398, ClinGen allele CA390934309.